The following is an entry in ClinVar:

GRCh38/hg38 8p23.2(chr8:2950225-4051517)x3

Genes: CSMD1 (CUB and Sushi multiple domains 1; minus strand), LOC105377785 (uncharacterized LOC105377785; plus strand), LOC126860285 (BRD4-independent group 4 enhancer GRCh37_chr8:2964721-2965920; plus strand), LOC126860286 (MED14-independent group 3 enhancer GRCh37_chr8:3025942-3027141; plus strand), LOC126860287 (BRD4-independent group 4 enhancer GRCh37_chr8:3350221-3351420; plus strand) and 1 more. Cytogenetic location: 8p23.2.
Variant type: copy number gain.
Change: copy number 3 (three copies instead of two) of chr8:2,950,225-4,051,517 (1.10 Mb, GRCh38 coordinates, 1-based), cytogenetic band 8p23.2.
Identifiers: ClinVar variation 58380 (VCV000058380.1).

ClinVar aggregate classification (germline): Uncertain significance (1 of 4 stars; one submission).

Submission:

ISCA site 15
Classification: Uncertain significance. Last evaluated: 2011-08-12. Review status: criteria provided, single submitter. Criteria: Kaminsky et al. (Genet Med. 2011). Collection method: clinical testing. Allele origin: unknown. Affected: yes. Observed: 1 variant allele.
Comment: Copy number variation identified through the course of routine clinical cytogenomic testing in postnatal populations. Clinical assertions have been curated as described in Kaminsky et al. 2011.